The following is an entry in ClinVar:

NM_000094.4(COL7A1):c.3139+1G>A

Gene: COL7A1 (collagen type VII alpha 1 chain; minus strand). Cytogenetic location: 3p21.31.
Variant type: single nucleotide variant.
Coding change: c.3139+1G>A on transcript NM_000094.4 (MANE Select); the canonical splice donor site of the intron after coding-DNA position 3139, G replaced by A.
Molecular consequence: splice donor variant.
Genome position (GRCh38, 1-based): chr3:48,587,189, C>T on the plus strand (G>A on the coding strand, the complement: COL7A1 is on the minus strand). VCF-style: chr3-48587189-C-T. GRCh37 (hg19) VCF-style: chr3-48624622-C-T.
Identifiers: ClinVar variation 3076041 (VCV003076041.3), dbSNP rs1284183246, ClinGen allele CA352711559.

ClinVar aggregate classification (germline): Likely pathogenic. Review status: criteria provided, multiple submitters, no conflicts (2 of 4 stars). 2 submissions from 2 submitters: Likely pathogenic (2). Last evaluated 2024-02-01.

Conditions:
Epidermolysis bullosa dystrophica. Also called: Dystrophic epidermolysis bullosa, Hallopeau-Siemens type (formerly); Dystrophic epidermolysis bullosa. Identifiers: Orphanet 303, MedGen C0079294, MONDO:0006543.

Allele frequency attached by ClinVar (database versions not stated): TOPMed below 0.00001.

Submissions (2):

Labcorp Genetics (formerly Invitae), Labcorp
Classification: Likely pathogenic. Last evaluated: 2024-02-01. Review status: criteria provided, single submitter. Criteria: Invitae Variant Classification Sherloc (09022015). Collection method: clinical testing. Allele origin: germline.
Comment: This sequence change affects a donor splice site in intron 23 of the COL7A1 gene. It is expected to disrupt RNA splicing. Variants that disrupt the donor or acceptor splice site typically lead to a loss of protein function (PMID: 16199547), and loss-of-function variants in COL7A1 are known to be pathogenic (PMID: 16971478). This variant is present in population databases (no rsID available, gnomAD 0.007%). This variant has not been reported in the literature in individuals affected with COL7A1-related conditions. Algorithms developed to predict the effect of sequence changes on RNA splicing suggest that this variant may disrupt the consensus splice site. In summary, the currently available evidence indicates that the variant is pathogenic, but additional data are needed to prove that conclusively. Therefore, this variant has been classified as Likely Pathogenic.

Laboratory for Molecular Medicine, Mass General Brigham Personalized Medicine
Classification: Likely pathogenic for Epidermolysis bullosa dystrophica. Last evaluated: 2017-08-01. Review status: criteria provided, single submitter. Criteria: ACMG Guidelines, 2015. Collection method: clinical testing. Allele origin: germline. Inheritance: Autosomal recessive inheritance.
Comment: The c.3139+1G>A variant in COL7A1 has not been previously reported in individuals with disease and was absent from large population studies. This variant occurs in the invariant region (+/- 1,2) of the splice consensus sequence and is predicted to cause altered splicing leading to an abnormal or absent protein. Biallelic pathogenic variants in COL7A1, both predicted loss of function and missense, have been shown to cause recessive epidermolysis bullosa dystrophica (DEB). In summary, although additional studies are required to fully establish its clinical significance, the c.3139+1G>A variant is likely pathogenic for epidermolysis bullosa dystrophica in an autosomal recessive manner.

Literature cited by the submitters: PubMed 16199547 (cited by Labcorp Genetics (formerly Invitae), Labcorp); PubMed 16971478 (cited by Labcorp Genetics (formerly Invitae), Labcorp).